The following is an entry in ClinVar:

NM_000090.4(COL3A1):c.3390C>T (p.Ile1130=)

Gene: COL3A1 (collagen type III alpha 1 chain; plus strand). Cytogenetic location: 2q32.2.
Variant type: single nucleotide variant.
Coding change: c.3390C>T on transcript NM_000090.4 (MANE Select); coding-DNA position 3390, C replaced by T.
Protein change: p.Ile1130=; no amino-acid change (isoleucine 1130 retained).
Molecular consequence: synonymous variant.
Genome position (GRCh38, 1-based): chr2:189,007,911, C>T. VCF-style: chr2-189007911-C-T. GRCh37 (hg19) VCF-style: chr2-189872637-C-T.
Other names: p.Ile1130=.
Identifiers: ClinVar variation 333065 (VCV000333065.42), dbSNP rs148918486, ClinGen allele CA076076.

ClinVar aggregate classification (germline): Conflicting classifications of pathogenicity. Review status: criteria provided, conflicting classifications (1 of 4 stars). 11 submissions from 11 submitters: Uncertain significance (1); Benign (1); Likely benign (9). Last evaluated 2026-01-27.

Conditions:
Ehlers-Danlos syndrome, type 4 (EDSVASC). Also called: Ehlers-Danlos Syndrome Type IV; Ehlers-Danlos syndrome vascular type; Ehlers Danlos syndrome, ecchymotic type; Ehlers Danlos syndrome, arterial type; Ehlers Danlos syndrome, Sack-Barabas type. Identifiers: Orphanet 286, MedGen C0268338, MONDO:0017314, OMIM 130050.
COL3A1-related disorder. Also called: COL3A1-related condition.
Familial thoracic aortic aneurysm and aortic dissection (TAAD). Also called: Thoracic aortic aneurysms and dissections. Identifiers: Orphanet 91387, MedGen C4707243, MONDO:0019625.

Allele frequency attached by ClinVar (database versions not stated): TOPMed 0.00003; gnomAD 0.00005 and 0.00006; ESP Exome Variant Server 0.00008.
gnomAD v4.1: 79 of 1,613,986 alleles (0.0049%); highest among the groups gnomAD compares: Admixed American, 0.0083%; no homozygotes.

Submissions (11):

Labcorp Genetics (formerly Invitae), Labcorp
Classification: Likely benign for Ehlers-Danlos syndrome, type 4. Last evaluated: 2026-01-27. Review status: criteria provided, single submitter. Criteria: Invitae Variant Classification Sherloc (09022015). Collection method: clinical testing. Allele origin: germline.

Women's Health and Genetics/Laboratory Corporation of America, LabCorp
Classification: Likely benign. Last evaluated: 2025-12-16. Review status: criteria provided, single submitter. Criteria: LabCorp Variant Classification Summary - May 2015. Collection method: clinical testing. Allele origin: germline.

Mayo Clinic Laboratories, Mayo Clinic
Classification: Likely benign. Last evaluated: 2025-10-30. Review status: criteria provided, single submitter. Criteria: ACMG Guidelines, 2015. Collection method: clinical testing. Allele origin: germline. Observed: 1 variant allele.
Comment: BP4, BP7

PreventionGenetics, part of Exact Sciences
Classification: Likely benign for COL3A1-related condition. Last evaluated: 2025-07-02. Review status: criteria provided, single submitter. Criteria: ACMG Guidelines, 2015. Collection method: clinical testing. Allele origin: germline.
Comment: This variant is classified as likely benign based on ACMG/AMP sequence variant interpretation guidelines (Richards et al. 2015 PMID: 25741868, with internal and published modifications).

CeGaT Center for Human Genetics Tuebingen
Classification: Likely benign. Last evaluated: 2024-07-01. Review status: criteria provided, single submitter. Criteria: CeGaT Center For Human Genetics Tuebingen Variant Classification Criteria Version 2. Collection method: clinical testing. Allele origin: germline. Affected: yes. Observed: 1 variant allele.
Comment: COL3A1: BP4, BP7

All of Us Research Program, National Institutes of Health
Classification: Likely benign for Ehlers-Danlos syndrome, type 4. Last evaluated: 2023-12-13. Review status: criteria provided, single submitter. Criteria: ACMG Guidelines, 2015. Collection method: clinical testing. Allele origin: germline. Inheritance: Autosomal dominant inheritance. Observed: 15 variant alleles, 15 heterozygotes.
Comment: This study involves interpretation of variants in research participants for the purpose of population health screening. Participant phenotype was not available at the time of variant classification. Additional details can be found in publication PMID: 35346344, PMCID: PMC8962531

CHEO Genetics Diagnostic Laboratory, Children's Hospital of Eastern Ontario
Classification: Uncertain significance for Familial thoracic aortic aneurysm and aortic dissection. Last evaluated: 2021-08-11. Review status: criteria provided, single submitter. Criteria: ACMG Guidelines, 2015. Collection method: clinical testing. Allele origin: germline.

Color Diagnostics, LLC DBA Color Health
Classification: Likely benign for Familial thoracic aortic aneurysm and aortic dissection. Last evaluated: 2019-07-26. Review status: criteria provided, single submitter. Criteria: ACMG Guidelines, 2015. Collection method: clinical testing. Allele origin: germline.

Ambry Genetics
Classification: Likely benign for Familial thoracic aortic aneurysm and aortic dissection. Last evaluated: 2018-04-18. Review status: criteria provided, single submitter. Criteria: Ambry Variant Classification Scheme 2023. Collection method: clinical testing. Allele origin: germline.

GeneDx
Classification: Likely benign. Last evaluated: 2018-04-13. Review status: criteria provided, single submitter. Criteria: GeneDx Variant Classification (06012015). Collection method: clinical testing. Allele origin: germline. Affected: yes.
Comment: This variant is considered likely benign or benign based on one or more of the following criteria: it is a conservative change, it occurs at a poorly conserved position in the protein, it is predicted to be benign by multiple in silico algorithms, and/or has population frequency not consistent with disease.

Illumina Laboratory Services, Illumina
Classification: Benign for Ehlers-Danlos syndrome, type 4. Last evaluated: 2018-01-12. Review status: criteria provided, single submitter. Criteria: ICSL Variant Classification Criteria 13 December 2019. Collection method: clinical testing. Allele origin: germline.
Comment: This variant was observed in the ICSL laboratory as part of a predisposition screen in an ostensibly healthy population. It had not been previously curated by ICSL or reported in the Human Gene Mutation Database (HGMD: prior to June 1st, 2018), and was therefore a candidate for classification through an automated scoring system. Utilizing variant allele frequency, disease prevalence and penetrance estimates, and inheritance mode, an automated score was calculated to assess if this variant is too frequent to cause the disease. Based on the score and internal cut-off values, a variant classified as benign is not then subjected to further curation. The score for this variant resulted in a classification of benign for this disease.